The following is an entry in ClinVar:

ClinVar aggregate classification (germline): Conflicting classifications of pathogenicity. Review status: criteria provided, conflicting classifications (1 of 4 stars). 3 submissions from 3 submitters: Likely pathogenic (1); Uncertain significance (2). Last evaluated 2025-07-25.

Conditions:
Complex neurodevelopmental disorder. Identifiers: Orphanet 528084, MedGen C5568766, MONDO:0100038.
Seizures, benign familial infantile, 3 (BFIS3). Also called: CONVULSIONS, BENIGN FAMILIAL INFANTILE, 3; Familial neonatal seizures. Identifiers: Orphanet 140927, Orphanet 306, MedGen C1843140, MONDO:0011904, OMIM 607745.
Developmental and epileptic encephalopathy, 11 (DEE11). Also called: Early infantile epileptic encephalopathy 11. Identifiers: Orphanet 1934, MedGen C3150987, MONDO:0013388, OMIM 613721.
Inborn genetic diseases. Identifiers: MedGen C0950123, MeSH D030342.

Submissions (3):

Institute of Human Genetics, University of Leipzig Medical Center
Classification: Uncertain significance for Developmental and epileptic encephalopathy, 11. Last evaluated: 2025-07-25. Review status: criteria provided, single submitter. Criteria: ACMG Guidelines, 2015. Collection method: clinical testing. Allele origin: de novo. Inheritance: Autosomal dominant inheritance. Affected: yes.
Comment: Criteria applied: PS2_MOD,PP3_MOD,PM2_SUP

Ambry Genetics
Classification: Uncertain significance for Inborn genetic diseases. Last evaluated: 2024-12-18. Review status: criteria provided, single submitter. Criteria: Ambry Variant Classification Scheme 2023. Collection method: clinical testing. Allele origin: germline.
Comment: The c.5551C>T (p.R1851W) alteration is located in exon 27 (coding exon 26) of the SCN2A gene. This alteration results from a C to T substitution at nucleotide position 5551, causing the arginine (R) at amino acid position 1851 to be replaced by a tryptophan (W). This variant was not reported in population-based cohorts in the Genome Aggregation Database (gnomAD). This variant was reported in an individual with features consistent with SCN2A-related disorders (Fern&aacute;ndez-Marmiesse, 2019). This amino acid position is highly conserved in available vertebrate species. This alteration is predicted to be deleterious by in silico analysis. Based on insufficient or conflicting evidence, the clinical significance of this alteration remains unclear.

NeuroMeGen, Hospital Clinico Santiago de Compostela
Classification: Likely pathogenic for Seizures, benign familial infantile, 3. Last evaluated: 2018-01-01. Review status: criteria provided, single submitter. Criteria: ACMG Guidelines, 2015. Collection method: clinical testing. Allele origin: paternal. Affected: yes. Observed: 1 heterozygote.

Literature cited by the submitters: PubMed 31780880 (cited by Ambry Genetics).

NM_001040142.2(SCN2A):c.5551C>T (p.Arg1851Trp)

Gene: SCN2A (sodium voltage-gated channel alpha subunit 2; plus strand). Cytogenetic location: 2q24.3.
Variant type: single nucleotide variant.
Coding change: c.5551C>T on transcript NM_001040142.2 (MANE Select); coding-DNA position 5551, C replaced by T.
Protein change: p.Arg1851Trp; replaces arginine 1851 with tryptophan.
Molecular consequence: missense variant.
Genome position (GRCh38, 1-based): chr2:165,389,357, C>T. VCF-style: chr2-165389357-C-T. GRCh37 (hg19) VCF-style: chr2-166245867-C-T.
Other names: c.5551C>T, p.Arg1851Trp (NM_001040143.2, NM_001371246.1, NM_001371247.1 and 1 more transcripts); short protein forms R1851W.
Identifiers: ClinVar variation 495262 (VCV000495262.5), dbSNP rs1553463718, ClinGen allele CA349039327.